The following is an entry in ClinVar:

NM_001845.6(COL4A1):c.1257_1258inv (p.Gly420Arg)

Gene: COL4A1 (collagen type IV alpha 1 chain; minus strand). Cytogenetic location: 13q34.
Variant type: Inversion.
Coding change: c.1257_1258inv on transcript NM_001845.6 (MANE Select).
Protein change: p.Gly420Arg; replaces glycine 420 with arginine.
Molecular consequence: missense variant.
Genome position: GRCh38 VCF-style: chr13-110198494-CA-TG. GRCh37 (hg19) VCF-style: chr13-110850841-CA-TG.
Other names: c.1257_1258inv, p.Gly420Arg (NM_001303110.2); short protein forms G420R.
Identifiers: ClinVar variation 2012818 (VCV002012818.4), ClinGen allele CA2580087246.

ClinVar aggregate classification (germline): Likely pathogenic (1 of 4 stars; one submission).

Submission:

Labcorp Genetics (formerly Invitae), Labcorp
Classification: Likely pathogenic. Last evaluated: 2025-08-04. Review status: criteria provided, single submitter. Criteria: Invitae Variant Classification Sherloc (09022015). Collection method: clinical testing. Allele origin: germline.
Comment: This sequence change replaces glycine, which is neutral and non-polar, with arginine, which is basic and polar, at codon 420 of the COL4A1 protein (p.Gly420Arg). Information on the frequency of this variant in the gnomAD database is not available, as this variant may be reported differently in the database. This variant has not been reported in the literature in individuals affected with COL4A1-related conditions. ClinVar contains an entry for this variant (Variation ID: 2012818). Experimental studies and prediction algorithms are not available or were not evaluated, and the functional significance of this variant is currently unknown. This variant disrupts the triple helix domain of COL4A1. Glycine residues within the Gly-Xaa-Yaa repeats of the triple helix domain are required for the structure and stability of fibrillar collagens (PMID: 7695699, 8218237, 19344236). In COL4A1 variants affecting these glycine residues are significantly enriched in individuals with disease (PMID: 9016532, 17078022) compared to the general population (ExAC). In summary, the currently available evidence indicates that the variant is pathogenic, but additional data are needed to prove that conclusively. Therefore, this variant has been classified as Likely Pathogenic.

Literature cited by the submitters: PubMed 7695699; PubMed 8218237; PubMed 19344236; PubMed 9016532; PubMed 17078022.